The following is an entry in ClinVar:

ClinVar aggregate classification (germline): Pathogenic (1 of 4 stars; one submission).

Submission:

Quest Diagnostics Nichols Institute San Juan Capistrano
Classification: Pathogenic. Last evaluated: 2025-05-06. Review status: criteria provided, single submitter. Criteria: ACMG/ClinGen CNV Guidelines, 2019. Collection method: clinical testing. Allele origin: unknown.
Comment: This 16p13.2 deletion involves multiple exons (NM_000833.5) of the 5' portion of GRIN2A (OMIM 138253). Haploinsufficiency of GRIN2A is associated with autosomal dominant focal epilepsy and speech disorder (FESD) with or without impaired intellectual development (CCID:007252; OMIM 245570; Strehlow 2024). Similar deletions of the 5’ portion of GRIN2A have been reported in affected individuals (Dimassi 2015, Lemke 2013, Strehlow 2019) and in one unaffected mother and her three affected children (Lesca 2013). There are no similar copy number losses of this region in the general populations of the Database of Genomic Variants. Thus, based on current medical literature, this copy number variant (CNV) is classified as pathogenic. References: Dimassi et al., Appl Transl Genom. 2015 Oct 17:7:19-25. PMID: 27054081 Lemke et al., Nat Genet. 2013 Sep;45(9):1067-72. PMID: 23933819 Lesca et al., Nat Genet. 2013 Sep;45(9):1061-6. PMID: 23933820 Strehlow et al., Brain. 2019 Jan 1;142(1):80-92. PMID: 30544257 Strehlow et al., GeneReviews [2024 Jul 4]. PMID: 27683935

GRCh37/hg19 16p13.2(chr16:10225186-10298431)x1

Gene: GRIN2A (glutamate ionotropic receptor NMDA type subunit 2A; minus strand). Cytogenetic location: 16p13.2.
Variant type: copy number loss.
Change: copy number 1 (one copy instead of two) of chr16:10,225,186-10,298,431 (73.2 kb, GRCh37 coordinates, 1-based), cytogenetic band 16p13.2.
Identifiers: ClinVar variation 4682891 (VCV004682891.1).